The following is an entry in ClinVar:

ClinVar aggregate classification (germline): Pathogenic. Review status: criteria provided, multiple submitters, no conflicts (2 of 4 stars). 2 submissions from 2 submitters: Pathogenic (2). Last evaluated 2023-09-08.

Submissions (2):

Labcorp Genetics (formerly Invitae), Labcorp
Classification: Pathogenic. Last evaluated: 2023-09-08. Review status: criteria provided, single submitter. Criteria: Invitae Variant Classification Sherloc (09022015). Collection method: clinical testing. Allele origin: germline.
Comment: ClinVar contains an entry for this variant (Variation ID: 987069). This premature translational stop signal has been observed in individual(s) with primary adrenal insufficiency (PMID: 26523528). This variant is not present in population databases (gnomAD no frequency). This sequence change creates a premature translational stop signal (p.Ser12Alafs*9) in the STAR gene. It is expected to result in an absent or disrupted protein product. Loss-of-function variants in STAR are known to be pathogenic (PMID: 8948562). For these reasons, this variant has been classified as Pathogenic.

Institute of Medical Genetics and Applied Genomics, University Hospital Tübingen
Classification: Pathogenic. Last evaluated: 2020-10-23. Review status: criteria provided, single submitter. Criteria: ACMG Guidelines, 2015. Collection method: clinical testing. Allele origin: germline. Inheritance: Unknown mechanism. Affected: yes.

Literature cited by the submitters: PubMed 26523528 (cited by Labcorp Genetics (formerly Invitae), Labcorp); PubMed 8948562 (cited by Labcorp Genetics (formerly Invitae), Labcorp).

NM_000349.3(STAR):c.33del (p.Ser12fs)

Gene: STAR (steroidogenic acute regulatory protein; minus strand). Cytogenetic location: 8p11.23.
Variant type: Deletion.
Coding change: c.33del on transcript NM_000349.3 (MANE Select); coding-DNA position 33, one base deleted (G; older notation c.33delG).
Protein change: p.Ser12fs; shifts the reading frame from serine 12.
Molecular consequence: frameshift variant.
Genome position (GRCh38, 1-based): chr8:38,150,786, C deleted on the plus strand (G on the coding strand, the reverse complement: STAR is on the minus strand); the first of 3 consecutive C bases (chr8:38,150,786-38,150,788); deleting any one gives the same sequence. VCF-style (leftmost placement, unchanged base first): chr8-38150785-TC-T. GRCh37 (hg19) VCF-style: chr8-38008303-TC-T.
Other names: short protein forms S12fs.
Identifiers: ClinVar variation 987069 (VCV000987069.6), dbSNP rs1802653591, ClinGen allele CA1139660448.